The following is an entry in ClinVar:

ClinVar aggregate classification (germline): Uncertain significance (1 of 4 stars; one submission).

Conditions:
Cardiovascular phenotype. Identifiers: MedGen CN230736.

Submission:

Ambry Genetics
Classification: Uncertain significance for Cardiovascular phenotype. Last evaluated: 2025-05-26. Review status: criteria provided, single submitter. Criteria: Ambry Variant Classification Scheme 2023. Collection method: clinical testing. Allele origin: germline.
Comment: The p.Q675E variant (also known as c.2023C>G), located in coding exon 5 of the ALPK3 gene, results from a C to G substitution at nucleotide position 2023. The glutamine at codon 675 is replaced by glutamic acid, an amino acid with highly similar properties. This amino acid position is conserved. In addition, this alteration is predicted to be tolerated by in silico analysis. Based on the available evidence, the clinical significance of this variant remains unclear.

NM_020778.5(ALPK3):c.1417C>G (p.Gln473Glu)

Gene: ALPK3 (alpha kinase 3; plus strand). Cytogenetic location: 15q25.3.
Variant type: single nucleotide variant.
Coding change: c.1417C>G on transcript NM_020778.5 (MANE Select); coding-DNA position 1417, C replaced by G.
Protein change: p.Gln473Glu; replaces glutamine 473 with glutamic acid.
Molecular consequence: missense variant.
Genome position (GRCh38, 1-based): chr15:84,840,696, C>G. VCF-style: chr15-84840696-C-G. GRCh37 (hg19) VCF-style: chr15-85383927-C-G.
Other names: short protein forms Q473E.
Identifiers: ClinVar variation 4044904 (VCV004044904.1).